The following is an entry in ClinVar:

ClinVar aggregate classification (germline): Likely benign. Review status: criteria provided, multiple submitters, no conflicts (2 of 4 stars). 2 submissions from 2 submitters: Likely benign (2). Last evaluated 2024-04-29.

Conditions:
Long QT syndrome (LQTS). Identifiers: MedGen C0023976, MeSH D008133, MONDO:0002442. Disease mechanism: loss of function. Inheritance: Various modes of inheritance.

gnomAD v4.1: 1 of 1,613,868 alleles (0.000062%); highest among the groups gnomAD compares: Non-Finnish European, 0.000085%; no homozygotes.

Submissions (2):

Labcorp Genetics (formerly Invitae), Labcorp
Classification: Likely benign for Long QT syndrome. Last evaluated: 2024-04-29. Review status: criteria provided, single submitter. Criteria: Invitae Variant Classification Sherloc (09022015). Collection method: clinical testing. Allele origin: germline.

CeGaT Center for Human Genetics Tuebingen
Classification: Likely benign. Last evaluated: 2024-02-01. Review status: criteria provided, single submitter. Criteria: CeGaT Center For Human Genetics Tuebingen Variant Classification Criteria Version 2. Collection method: clinical testing. Allele origin: germline. Affected: yes. Observed: 1 variant allele.
Comment: CACNA1C: PM2:Supporting, BP4, BP7

NM_000719.7(CACNA1C):c.4185G>A (p.Arg1395=)

Gene: CACNA1C (calcium voltage-gated channel subunit alpha1 C; plus strand). Cytogenetic location: 12p13.33.
Variant type: single nucleotide variant.
Coding change: c.4185G>A on transcript NM_000719.7 (MANE Select); coding-DNA position 4185, G replaced by A.
Protein change: p.Arg1395=; no amino-acid change (arginine 1395 retained).
Molecular consequence: synonymous variant.
Genome position (GRCh38, 1-based): chr12:2,655,191, G>A. VCF-style: chr12-2655191-G-A. GRCh37 (hg19) VCF-style: chr12-2764357-G-A.
Other names: c.4329G>A, p.Arg1443= (NM_001129827.2, NM_199460.4); c.4251G>A, p.Arg1417= (NM_001129829.2); c.4185G>A, p.Arg1395= (NM_001129830.3, NM_001129833.2, NM_001129834.2 and 7 more transcripts); c.4269G>A, p.Arg1423= (NM_001129831.2); c.4245G>A, p.Arg1415= (NM_001129832.2); c.4236G>A, p.Arg1412= (NM_001129836.2); c.4152G>A, p.Arg1384= (NM_001129837.2, NM_001129838.2, NM_001129846.2 and 1 more transcripts); c.4146G>A, p.Arg1382= (NM_001129839.2); and 1 more.
Identifiers: ClinVar variation 1528463 (VCV001528463.30), dbSNP rs2153668917, ClinGen allele CA477880126.